The following is an entry in ClinVar:

NM_001164665.2(KIAA1549):c.4421G>A (p.Arg1474His)

Gene: KIAA1549 (KIAA1549; minus strand). Cytogenetic location: 7q34.
Variant type: single nucleotide variant.
Coding change: c.4421G>A on transcript NM_001164665.2 (MANE Select); coding-DNA position 4421, G replaced by A.
Protein change: p.Arg1474His; replaces arginine 1474 with histidine.
Molecular consequence: missense variant.
Genome position (GRCh38, 1-based): chr7:138,871,287, C>T on the plus strand (G>A on the coding strand, the complement: KIAA1549 is on the minus strand). VCF-style: chr7-138871287-C-T. GRCh37 (hg19) VCF-style: chr7-138556033-C-T.
Other names: c.4421G>A, p.Arg1474His (NM_020910.3); short protein forms R1474H.
Identifiers: ClinVar variation 964387 (VCV000964387.9), dbSNP rs749561002, ClinGen allele CA4505906.
Genomic context (GRCh38, chr7:138,871,287, plus strand): 5'-ATCGGCTGCATGGCGATAAGCTGGATCTTACTGGGGACCCGCCGGCTAGCCTCCGGGGGG[C>T]GGGAGATCCTGTCCACGTGCTCGAAGATGGAGGCTGATGAGTGCTGCTCATTTCCCGAAC-3'
Protein context (NP_001158137.1, residues 1464-1484): SIFEHVDRIS[Arg1474His]PPEASRRVPS

ClinVar aggregate classification (germline): Uncertain significance. Review status: criteria provided, multiple submitters, no conflicts (2 of 4 stars). 3 submissions from 3 submitters: Uncertain significance (3). Last evaluated 2025-11-24.

Conditions:
Inborn genetic diseases. Identifiers: MedGen C0950123, MeSH D030342.

Allele frequency attached by ClinVar (database versions not stated): gnomAD 0.00001; TOPMed 0.00001; ExAC 0.00002; gnomAD exomes 0.00002.
gnomAD v4.1: 20 of 1,609,102 alleles (0.0012%); highest among the groups gnomAD compares: Middle Eastern, 0.017%; no homozygotes.

Submissions (3):

Ambry Genetics
Classification: Uncertain significance for Inborn genetic diseases. Last evaluated: 2025-11-24. Review status: criteria provided, single submitter. Criteria: Ambry Variant Classification Scheme 2023. Collection method: clinical testing. Allele origin: germline.

Labcorp Genetics (formerly Invitae), Labcorp
Classification: Uncertain significance. Last evaluated: 2024-10-25. Review status: criteria provided, single submitter. Criteria: Invitae Variant Classification Sherloc (09022015). Collection method: clinical testing. Allele origin: germline.
Comment: This sequence change replaces arginine, which is basic and polar, with histidine, which is basic and polar, at codon 1474 of the KIAA1549 protein (p.Arg1474His). This variant is present in population databases (rs749561002, gnomAD 0.01%). This variant has not been reported in the literature in individuals affected with KIAA1549-related conditions. ClinVar contains an entry for this variant (Variation ID: 964387). An algorithm developed to predict the effect of missense changes on protein structure and function outputs the following: PolyPhen-2: "Benign". The histidine amino acid residue is found in multiple mammalian species, which suggests that this missense change does not adversely affect protein function. In summary, the available evidence is currently insufficient to determine the role of this variant in disease. Therefore, it has been classified as a Variant of Uncertain Significance.

Blueprint Genetics
Classification: Uncertain significance. Last evaluated: 2021-12-13. Review status: criteria provided, single submitter. Criteria: ACMG Guidelines, 2015. Collection method: clinical testing. Allele origin: germline.